The following is an entry in ClinVar:

ClinVar aggregate classification (germline): Likely benign. Review status: criteria provided, multiple submitters, no conflicts (2 of 4 stars). 5 submissions from 5 submitters: Likely benign (3). 2 of the submissions do not count toward it. Last evaluated 2026-05-18.

Conditions:
PKD1-related disorder. Also called: PKD1-related condition.
Polycystic kidney disease. Also called: Kidney, Polycystic; Polycystic kidney dysplasia. Identifiers: MedGen C0022680, MeSH D007690, MONDO:0020642, HP:0000113.

Allele frequency attached by ClinVar (database versions not stated): ESP Exome Variant Server 0.00008; 1000 Genomes Project 30x 0.00016; 1000 Genomes Project 0.00020; ExAC 0.00028; gnomAD exomes 0.00037; gnomAD 0.00038 and 0.00039; TOPMed 0.00040.
gnomAD v4.1: 781 of 1,612,168 alleles (0.048%); highest among the groups gnomAD compares: Admixed American, 0.062%; 3 homozygotes.

Submissions (5):

Women's Health and Genetics/Laboratory Corporation of America, LabCorp
Classification: Likely benign. Last evaluated: 2026-05-18. Review status: criteria provided, single submitter. Criteria: LabCorp Variant Classification Summary - May 2015. Collection method: clinical testing. Allele origin: germline.

Blueprint Genetics
Classification: Likely benign. Last evaluated: 2024-07-04. Review status: criteria provided, single submitter. Criteria: ACMG Guidelines, 2015. Collection method: clinical testing. Allele origin: germline.

CeGaT Center for Human Genetics Tuebingen
Classification: Likely benign. Last evaluated: 2022-08-01. Review status: criteria provided, single submitter. Criteria: CeGaT Center For Human Genetics Tuebingen Variant Classification Criteria Version 2. Collection method: clinical testing. Allele origin: germline. Affected: yes. Observed: 1 variant allele.
Comment: PKD1: BP4, BP7

PreventionGenetics, part of Exact Sciences
Classification: Likely benign for PKD1-related condition. Last evaluated: 2021-06-26. Review status: no assertion criteria provided. Collection method: clinical testing. Allele origin: germline. Not counted in ClinVar's aggregate classification.
Comment: This variant is classified as likely benign based on ACMG/AMP sequence variant interpretation guidelines (Richards et al. 2015 PMID: 25741868, with internal and published modifications).

Department of Pathology and Laboratory Medicine, Sinai Health System
Classification: Likely benign for Polycystic Kidney disease. Review status: no assertion criteria provided. Collection method: clinical testing. Allele origin: unknown. Affected: yes. Study: The Canadian Open Genetics Repository (COGR). Not counted in ClinVar's aggregate classification.
Comment: The PKD1 p.Leu4085= variant was not identified in the literature nor was it identified in the ClinVar, LOVD 3.0 or PKD1-LOVD databases. The variant was identified in dbSNP (ID: rs199674888) as "NA" and in the ADPKD Mutation Database (as Likely Neutral). It was also identified in control databases in 100 of 270648 chromosomes (1 homozygous) at a frequency of 0.0004 increasing the likelihood this could be a low frequency benign variant (Genome Aggregation Database Feb 27, 2017). The variant was observed in the following populations: African in 6 of 23444 chromosomes (freq: 0.0003), Other in 1 of 6362 chromosomes (freq: 0.0002), Latino in 19 of 34294 chromosomes (freq: 0.0006), European in 65 of 121904 chromosomes (freq: 0.0005), Finnish in 2 of 25164 chromosomes (freq: 0.00008), and South Asian in 7 of 30698 chromosomes (freq: 0.0002); while the variant was not observed in the Ashkenazi Jewish or East Asian populations. The p.Leu4085= variant is not expected to have clinical significance because it does not result in a change of amino acid and is not located in a known consensus splice site. In addition, in silico or computational prediction software programs (SpliceSiteFinder, MaxEntScan, NNSPLICE, GeneSplicer) do not predict a difference in splicing. In summary, based on the above information the clinical significance of this variant cannot be determined with certainty at this time although we would lean towards a more benign role for this variant. This variant is classified as likely benign.

NM_001009944.3(PKD1):c.12253C>T (p.Leu4085=)

Gene: PKD1 (polycystin 1, transient receptor potential channel interacting; minus strand). Cytogenetic location: 16p13.3.
Variant type: single nucleotide variant.
Coding change: c.12253C>T on transcript NM_001009944.3 (MANE Select); coding-DNA position 12253, C replaced by T.
Protein change: p.Leu4085=; no amino-acid change (leucine 4085 retained).
Molecular consequence: synonymous variant.
Genome position (GRCh38, 1-based): chr16:2,090,476, G>A on the plus strand (C>T on the coding strand, the complement: PKD1 is on the minus strand). VCF-style: chr16-2090476-G-A. GRCh37 (hg19) VCF-style: chr16-2140477-G-A.
Other names: c.12250C>T, p.Leu4084= (NM_000296.4); c.12253C>T (NM_001009944.2).
Identifiers: ClinVar variation 997207 (VCV000997207.28), dbSNP rs199674888, ClinGen allele CA7828704.